The following continues an entry in ClinVar:

NM_001267550.2(TTN):c.3100G>A (p.Val1034Met)

Gene: TTN. ClinVar aggregate classification (germline): Conflicting classifications of pathogenicity. Uncertain significance (8); Benign (3); Likely benign (9).

Submissions 16 to 24 of 24:

GeneDx
Classification: Uncertain significance. Last evaluated: 2016-11-23. Review status: criteria provided, single submitter. Criteria: GeneDx Variant Classification (06012015). Collection method: clinical testing. Allele origin: germline. Affected: yes.
Comment: Missense variants in the TTN gene are considered 'unclassified' if they are not previously reported in the literature and do not have >1% frequency in the population to be considered a polymorphism. Research indicates that truncating mutations in the TTN gene are expected to account for approximately 25% of familial and 18% of sporadic idiopathic DCM; however, truncating variants in the TTN gene have been reported in approximately 3% of reported control alleles. There has been little investigation into non-truncating variants. (Herman D et al. Truncations of titin causing dilated cardiomyopathy. N Eng J Med 366:619-628, 2012)

Eurofins Ntd Llc (ga)
Classification: Uncertain significance. Last evaluated: 2015-09-03. Review status: criteria provided, single submitter. Criteria: EGL Classification Definitions 2015. Collection method: clinical testing. Allele origin: germline. Observed: 2 variant alleles, 2 heterozygotes.

Cardiovascular Biomedical Research Unit, Royal Brompton & Harefield NHS Foundation Trust
Classification: Uncertain significance for Primary dilated cardiomyopathy. Last evaluated: 2014-10-08. Review status: criteria provided, single submitter. Criteria: Roberts et al. 2015. Collection method: research. Allele origin: germline. Inheritance: Autosomal dominant inheritance. Affected: no. Observed: 1 variant allele. Study: Healthy Volunteers.
Comment: In the seven cohorts assessed, TTNtv were found in 14% of ambulant DCM, 22% end-stage or familial DCM, and 2% controls. Heterozygous nonsense, frameshift and canonical splice-disrupting variants found in constitutive and other highly utilised exons are highly likely to be pathogenic when identified in individuals with phenotypically confirmed DCM. TTNtv found incidentally in healthy individuals (excluding familial assessment of DCM relatives) are thought to have low penetrance, particularly when identified in exons that are not constitutively expressed in the heart.

Laboratory for Molecular Medicine, Mass General Brigham Personalized Medicine
Classification: Uncertain significance. Last evaluated: 2014-07-23. Review status: criteria provided, single submitter. Criteria: LMM Criteria. Collection method: clinical testing. Allele origin: germline. Observed: 5 variant alleles.
Comment: The Val1034Met variant in TTN has been reported in 1 individual with limb girdle muscular dystrophy (Vasli 2012). This variant has also been identified by our l aboratory in 2 individuals (1 adult & 1 infant) with DCM and 1 infant with HCM, but is also present in 0.1% (10/8600) of European American chromosomes by the NH LBI Exome Sequencing Project (dbSNP rs1429515 05). The population frequency of this variant raises the possibility that it is benign, but is too low to confidently rule out a disease causing role. The varia nt is located in the last base of the exon, which is part of the 5? splice regio n, and computational tools suggest an impact to splicing; however, this informat ion is not predictive enough to determine pathogenicity (their accuracy is unkno wn). In summary, the clinical significance of the Val1034Met variant is uncertai n.

Biesecker Lab/Clinical Genomics Section, National Institutes of Health
Classification: Likely benign. Last evaluated: 2013-06-24. Review status: criteria provided, single submitter. Criteria: Ng et al. (Circ Cardiovasc Genet. 2013). Collection method: research. Allele origin: unknown. Observed: 1 variant allele. Study: ClinSeq.
Comment: The study set was not selected for affection status in relation to any cancer. Pathogenicity categories were based on literature curation. See Pubmed ID:23861362 for details.

Medical sequencing

PreventionGenetics, part of Exact Sciences
Classification: Likely benign for TTN-related condition. Last evaluated: 2023-03-29. Review status: no assertion criteria provided. Collection method: clinical testing. Allele origin: germline. Not counted in ClinVar's aggregate classification.
Comment: This variant is classified as likely benign based on ACMG/AMP sequence variant interpretation guidelines (Richards et al. 2015 PMID: 25741868, with internal and published modifications).

Practice for Gait Abnormalities, David Pomarino, Competency Network Toe Walking C/o Practice Pomarino
Classification: Likely pathogenic for Tip-toe gait. Review status: no assertion criteria provided. Collection method: clinical testing. Allele origin: germline. Affected: yes. Not counted in ClinVar's aggregate classification.
Comment: Myopathy refers to diseases that affect skeletal Muscles. These diseases attack muscle fibers, making muscles weak. Inherited myopathies are often caused by inheriting an abnormal gene mutation from a parent that causes the disease. Symptoms of congenital myopathies usually start at birth or in early childhood, but may not appear until the teen years or even later in adulthood. Congenital myopathies are somewhat unique compared with other inherited myopathies, as weakness typically affects all muscles and is often not progressive. Symptoms are: Muscle weakness, most commonly of upper arms and shoulders and thighs, muscle cramps, stiffness and spasms, fatigue with exertion and lack of energy. Our patients all walk on tiptoe, so they show similar symptoms. When we genetically test them with our toe walking panel, we find that around 90 per cent of them have a genetic variant that explains their toe walking. These can be assigned, for example, to the area of myopathies (such as variants of the COL6A3 gene), the area of hereditary neuropathies (such as variants of the KMT2C gene) or the area of metabolic diseases (such as variants of the PYGM gene). In a smaller group of patients with almost identical symptoms, no abnormality is found in the genes of our panel, but spastic paraplegia can be detected. In another small group of our toe walkers, no abnormalities can be detected in the genes analysed in our toe walking panel, nor do they suffer from spastic paraplegia, as is also the case with healthy children. In contrast to these, however, they show a tiptoe gait. These patients suffer from infantile cerebral palsy, in which toe walking can also be observed.

Cardiovascular Biomedical Research Unit, Royal Brompton & Harefield NHS Foundation Trust
Classification: Uncertain significance for Primary dilated cardiomyopathy. Last evaluated: 2014-10-08. Review status: flagged submission. Criteria: Roberts et al. 2015. Collection method: research. Allele origin: germline. Inheritance: Autosomal dominant inheritance. Affected: yes. Observed: 3 variant alleles. Study: Endstage DCM. Not counted in ClinVar's aggregate classification.
Comment: This TTN truncating variant (TTNtv) was identified in three individuals in this cohort and is located in an exon that is highly expressed in the heart. In the seven cohorts assessed, TTNtv were found in 14% of ambulant DCM, 22% end-stage or familial DCM, and 2% controls. Heterozygous nonsense, frameshift and canonical splice-disrupting variants found in constitutive and other highly utilised exons are highly likely to be pathogenic when identified in individuals with phenotypically confirmed DCM. TTNtv found incidentally in healthy individuals (excluding familial assessment of DCM relatives) are thought to have low penetrance, particularly when identified in exons that are not constitutively expressed in the heart.
ClinVar note: Reason: This record appears to be redundant with a more recent record from the same submitter.
ClinVar note: Notes: SCV000189680 appears to be redundant with SCV000189715.

Cardiovascular Biomedical Research Unit, Royal Brompton & Harefield NHS Foundation Trust
Classification: Uncertain significance for Primary dilated cardiomyopathy. Last evaluated: 2014-10-08. Review status: flagged submission. Criteria: Roberts et al. 2015. Collection method: research. Allele origin: germline. Inheritance: Autosomal dominant inheritance. Affected: no. Observed: 1 variant allele. Study: FHS cohort. Not counted in ClinVar's aggregate classification.
Comment: the same text as in the submission from Cardiovascular Biomedical Research Unit, Royal Brompton & Harefield NHS Foundation Trust above.
ClinVar note: Reason: This record appears to be redundant with a more recent record from the same submitter.
ClinVar note: Notes: SCV000189724 appears to be redundant with SCV000189715.

Literature cited by the submitters: PubMed 35207729 (cited by Athena Diagnostics); PubMed 26516846 (cited by Athena Diagnostics); PubMed 31028938 (cited by Athena Diagnostics); PubMed 24980681 (cited by Athena Diagnostics); PubMed 25898921 (cited by Athena Diagnostics); PubMed 22526018 (cited by 4 submitters); PubMed 22335739 (cited by 3 submitters); PubMed 25589632 (cited by 3 submitters); PubMed 25163546 (cited by Athena Diagnostics and Women's Health and Genetics/Laboratory Corporation of America, LabCorp); PubMed 23861362 (cited by Athena Diagnostics and Illumina Laboratory Services, Illumina); PubMed 23396983 (cited by Athena Diagnostics and Women's Health and Genetics/Laboratory Corporation of America, LabCorp); PubMed 34426522 (cited by Athena Diagnostics); PubMed 23446887 (cited by Athena Diagnostics); PubMed 37091313 (cited by Practice for Gait Abnormalities, David Pomarino, Competency Network Toe Walking C/o Practice Pomarino).